The following is an entry in ClinVar:

ClinVar aggregate classification (germline): Pathogenic (1 of 4 stars; one submission).

Conditions:
Neurodevelopmental disorder with speech impairment and dysmorphic facies. Identifiers: MedGen C5436699, MONDO:0033630, OMIM 619056.

Submission:

Molecular Genetics Laboratory, Motol Hospital
Classification: Pathogenic for Neurodevelopmental disorder with speech impairment and dysmorphic facies. Last evaluated: 2024-11-20. Review status: criteria provided, single submitter. Criteria: ACMG Guidelines, 2015. Collection method: clinical testing. Allele origin: de novo. Affected: yes. Observed: 1 variant allele.
Comment: The variant was confirmed to be of a de novo origin. Rare truncating variants affecting the SETD1A gene are well documented as a molecular cause of autosomal dominant "neurodevelopmental disorder with speech impairment and dysmorphic facies" (OMIM:619056) (PMID:32346159;26974950;25420024). To conclude, the variant is classified as pathogenic (ACMG PVS1, PM2, PS2).

Literature cited by the submitters: PubMed 32346159; PubMed 26974950; PubMed 25420024.

NM_014712.3(SETD1A):c.336del (p.Asp112fs)

Gene: SETD1A (SET domain containing 1A, histone lysine methyltransferase; plus strand). Cytogenetic location: 16p11.2.
Variant type: Deletion.
Coding change: c.336del on transcript NM_014712.3 (MANE Select); coding-DNA position 336, one base deleted (T; older notation c.336delT).
Protein change: p.Asp112fs; shifts the reading frame from aspartic acid 112.
Molecular consequence: frameshift variant.
Genome position (GRCh38, 1-based): chr16:30,961,356, T deleted. VCF-style (leftmost placement, unchanged base first): chr16-30961355-AT-A. GRCh37 (hg19) VCF-style: chr16-30972676-AT-A.
Other names: short protein forms D112fs.
Identifiers: ClinVar variation 3378411 (VCV003378411.2).